The following is an entry in ClinVar:

ClinVar aggregate classification (germline): Uncertain significance (1 of 4 stars; one submission).

Conditions:
Joubert syndrome 15 (JBTS15). Identifiers: Orphanet 475, MedGen C3280897, MONDO:0013763, OMIM 614464.

Allele frequency attached by ClinVar (database versions not stated): TOPMed 0.00001; ExAC 0.00003; gnomAD exomes 0.00004.
gnomAD v4.1: 9 of 1,612,822 alleles (0.00056%); highest among the groups gnomAD compares: Admixed American, 0.015%; no homozygotes.

Submission:

Labcorp Genetics (formerly Invitae), Labcorp
Classification: Uncertain significance for Joubert syndrome 15. Last evaluated: 2022-11-22. Review status: criteria provided, single submitter. Criteria: Invitae Variant Classification Sherloc (09022015). Collection method: clinical testing. Allele origin: germline.
Comment: This variant has not been reported in the literature in individuals affected with CEP41-related conditions. This variant is present in population databases (rs782048004, gnomAD 0.03%). This sequence change replaces arginine, which is basic and polar, with glycine, which is neutral and non-polar, at codon 5 of the CEP41 protein (p.Arg5Gly). ClinVar contains an entry for this variant (Variation ID: 1518972). In summary, the available evidence is currently insufficient to determine the role of this variant in disease. Therefore, it has been classified as a Variant of Uncertain Significance. Algorithms developed to predict the effect of missense changes on protein structure and function output the following: SIFT: "Deleterious"; PolyPhen-2: "Benign"; Align-GVGD: "Class C0". The glycine amino acid residue is found in multiple mammalian species, which suggests that this missense change does not adversely affect protein function.

NM_018718.3(CEP41):c.13A>G (p.Arg5Gly)

Gene: CEP41 (centrosomal protein 41; minus strand). Cytogenetic location: 7q32.2.
Variant type: single nucleotide variant.
Coding change: c.13A>G on transcript NM_018718.3 (MANE Select); coding-DNA position 13, A replaced by G.
Protein change: p.Arg5Gly; replaces arginine 5 with glycine.
Molecular consequence: missense variant. On other transcripts: non-coding transcript variant (1).
Genome position (GRCh38, 1-based): chr7:130,440,954, T>C on the plus strand (A>G on the coding strand, the complement: CEP41 is on the minus strand). VCF-style: chr7-130440954-T-C. GRCh37 (hg19) VCF-style: chr7-130080795-T-C.
Other names: c.13A>G, p.Arg5Gly (NM_001257158.2, NM_001257159.2, NM_001257160.2); short protein forms R5G.
Identifiers: ClinVar variation 1518972 (VCV001518972.8), dbSNP rs782048004, ClinGen allele CA4485753.